The following is an entry in ClinVar:

NM_004211.5(SLC6A5):c.1741G>A (p.Ala581Thr)

Gene: SLC6A5 (solute carrier family 6 member 5; plus strand). Cytogenetic location: 11p15.1.
Variant type: single nucleotide variant.
Coding change: c.1741G>A on transcript NM_004211.5 (MANE Select); coding-DNA position 1741, G replaced by A.
Protein change: p.Ala581Thr; replaces alanine 581 with threonine.
Molecular consequence: missense variant.
Genome position (GRCh38, 1-based): chr11:20,637,175, G>A. VCF-style: chr11-20637175-G-A. GRCh37 (hg19) VCF-style: chr11-20658721-G-A.
Other names: c.1039G>A, p.Ala347Thr (NM_001318369.2); short protein forms A581T, A347T.
Identifiers: ClinVar variation 1359088 (VCV001359088.8), dbSNP rs2133809378, ClinGen allele CA379918071.

ClinVar aggregate classification (germline): Uncertain significance (1 of 4 stars; one submission).

Conditions:
Hyperekplexia 3 (HKPX3). Also called: HYPEREKPLEXIA 3, AUTOSOMAL RECESSIVE; HYPEREKPLEXIA 3, AUTOSOMAL DOMINANT. Identifiers: Orphanet 3197, MedGen C3553288, MONDO:0013827, OMIM 614618.

Submission:

Labcorp Genetics (formerly Invitae), Labcorp
Classification: Uncertain significance for Hyperekplexia 3. Last evaluated: 2024-05-15. Review status: criteria provided, single submitter. Criteria: Invitae Variant Classification Sherloc (09022015). Collection method: clinical testing. Allele origin: germline.
Comment: This sequence change replaces alanine, which is neutral and non-polar, with threonine, which is neutral and polar, at codon 581 of the SLC6A5 protein (p.Ala581Thr). This variant is not present in population databases (gnomAD no frequency). This variant has not been reported in the literature in individuals affected with SLC6A5-related conditions. ClinVar contains an entry for this variant (Variation ID: 1359088). Advanced modeling of protein sequence and biophysical properties (such as structural, functional, and spatial information, amino acid conservation, physicochemical variation, residue mobility, and thermodynamic stability) performed at Invitae indicates that this missense variant is not expected to disrupt SLC6A5 protein function with a negative predictive value of 80%. In summary, the available evidence is currently insufficient to determine the role of this variant in disease. Therefore, it has been classified as a Variant of Uncertain Significance.